The following is an entry in ClinVar:

NM_003597.5(KLF11):c.179G>A (p.Arg60Lys)

Gene: KLF11 (KLF transcription factor 11; plus strand). Cytogenetic location: 2p25.1.
Variant type: single nucleotide variant.
Coding change: c.179G>A on transcript NM_003597.5 (MANE Select); coding-DNA position 179, G replaced by A.
Protein change: p.Arg60Lys; replaces arginine 60 with lysine.
Molecular consequence: missense variant.
Genome position (GRCh38, 1-based): chr2:10,046,286, G>A. VCF-style: chr2-10046286-G-A. GRCh37 (hg19) VCF-style: chr2-10186413-G-A.
Other names: c.128G>A, p.Arg43Lys (NM_001177718.2, NM_001177716.2); short protein forms R60K, R43K.
Identifiers: ClinVar variation 3674464 (VCV003674464.2).

ClinVar aggregate classification (germline): Uncertain significance (1 of 4 stars; one submission).

Submission:

Labcorp Genetics (formerly Invitae), Labcorp
Classification: Uncertain significance. Last evaluated: 2024-12-05. Review status: criteria provided, single submitter. Criteria: Invitae Variant Classification Sherloc (09022015). Collection method: clinical testing. Allele origin: germline.
Comment: This sequence change replaces arginine, which is basic and polar, with lysine, which is basic and polar, at codon 60 of the KLF11 protein (p.Arg60Lys). This variant is not present in population databases (gnomAD no frequency). This variant has not been reported in the literature in individuals affected with KLF11-related conditions. An algorithm developed to predict the effect of missense changes on protein structure and function (PolyPhen-2) suggests that this variant is likely to be disruptive. In summary, the available evidence is currently insufficient to determine the role of this variant in disease. Therefore, it has been classified as a Variant of Uncertain Significance.